The following is an entry in ClinVar:

ClinVar aggregate classification (germline): Uncertain significance (1 of 4 stars; one submission).

Submission:

Labcorp Genetics (formerly Invitae), Labcorp
Classification: Uncertain significance. Last evaluated: 2025-12-01. Review status: criteria provided, single submitter. Criteria: Invitae Variant Classification Sherloc (09022015). Collection method: clinical testing. Allele origin: germline.
Comment: This sequence change creates a premature translational stop signal (p.Glu451Leufs*15) in the GUF1 gene. It is expected to result in an absent or disrupted protein product. However, the current clinical and genetic evidence is not sufficient to establish whether loss-of-function variants in GUF1 cause disease. This variant is present in population databases (rs777418091, gnomAD 0.007%). This variant has not been reported in the literature in individuals affected with GUF1-related conditions. ClinVar contains an entry for this variant (Variation ID: 1489280). Algorithms developed to predict the effect of sequence changes on RNA splicing suggest that this variant may disrupt the consensus splice site. In summary, the available evidence is currently insufficient to determine the role of this variant in disease. Therefore, it has been classified as a Variant of Uncertain Significance.

NM_021927.3(GUF1):c.1351_1354del (p.Glu451fs)

Gene: GUF1 (GTP binding elongation factor GUF1; plus strand). Cytogenetic location: 4p12.
Variant type: Deletion.
Coding change: c.1351_1354del on transcript NM_021927.3 (MANE Select); coding-DNA positions 1351 to 1354, 4 bases deleted (GAAA; older notation c.1351_1354delGAAA).
Protein change: p.Glu451fs; shifts the reading frame from glutamic acid 451.
Molecular consequence: frameshift variant.
Genome position (GRCh38, 1-based): chr4:44,690,732-44,690,735, GAAA deleted; deleting any 4 consecutive bases within chr4:44,690,729-44,690,735 gives the same sequence; the c. name uses the placement nearest the transcript's 3' end. VCF-style (leftmost placement, unchanged base first): chr4-44690728-AAAAG-A. GRCh37 (hg19) VCF-style: chr4-44692745-AAAAG-A.
Other names: c.379_382del, p.Glu127fs (NM_001345867.2, NM_001345869.2); c.1351_1354del, p.Glu451fs (NM_001345868.2); short protein forms E127fs, E451fs.
Identifiers: ClinVar variation 1489280 (VCV001489280.6), dbSNP rs777418091, ClinGen allele CA2905622.